The following is an entry in ClinVar:

ClinVar aggregate classification (germline): Uncertain significance (1 of 4 stars; one submission).

gnomAD v4.1: 2 of 1,614,184 alleles (0.00012%); highest among the groups gnomAD compares: East Asian, 0.0022%; no homozygotes.

Submission:

Ambry Genetics
Classification: Uncertain significance. Last evaluated: 2023-11-29. Review status: criteria provided, single submitter. Criteria: Ambry Variant Classification Scheme 2023. Collection method: clinical testing. Allele origin: germline.
Comment: The p.L852F variant (also known as c.2556G>C), located in coding exon 13 of the NPAT gene, results from a G to C substitution at nucleotide position 2556. The leucine at codon 852 is replaced by phenylalanine, an amino acid with highly similar properties. This amino acid position is conserved. In addition, this alteration is predicted to be tolerated by in silico analysis. Since supporting evidence is limited at this time, the clinical significance of this alteration remains unclear.

NM_002519.3(NPAT):c.2556G>C (p.Leu852Phe)

Gene: NPAT (nuclear protein, coactivator of histone transcription; minus strand). Cytogenetic location: 11q22.3.
Variant type: single nucleotide variant.
Coding change: c.2556G>C on transcript NM_002519.3 (MANE Select); coding-DNA position 2556, G replaced by C.
Protein change: p.Leu852Phe; replaces leucine 852 with phenylalanine.
Molecular consequence: missense variant.
Genome position (GRCh38, 1-based): chr11:108,172,428, C>G on the plus strand (G>C on the coding strand, the complement: NPAT is on the minus strand). VCF-style: chr11-108172428-C-G. GRCh37 (hg19) VCF-style: chr11-108043155-C-G.
Other names: c.2556G>C, p.Leu852Phe (NM_001321307.1); short protein forms L852F.
Identifiers: ClinVar variation 3222539 (VCV003222539.1), dbSNP rs1052196249, ClinGen allele CA228383441.